The following is an entry in ClinVar:

NM_001111.5(ADAR):c.1193A>G (p.Asn398Ser)

Gene: ADAR (adenosine deaminase RNA specific; minus strand). Cytogenetic location: 1q21.3.
Variant type: single nucleotide variant.
Coding change: c.1193A>G on transcript NM_001111.5 (MANE Select); coding-DNA position 1193, A replaced by G.
Protein change: p.Asn398Ser; replaces asparagine 398 with serine.
Molecular consequence: missense variant.
Genome position (GRCh38, 1-based): chr1:154,601,449, T>C on the plus strand (A>G on the coding strand, the complement: ADAR is on the minus strand). VCF-style: chr1-154601449-T-C. GRCh37 (hg19) VCF-style: chr1-154573925-T-C.
Other names: c.308A>G, p.Asn103Ser (NM_001025107.3, NM_001193495.2, NM_001365046.1 and 3 more transcripts); c.1220A>G, p.Asn407Ser (NM_001365045.1); c.1193A>G, p.Asn398Ser (NM_015840.4, NM_015841.4); short protein forms N103S, N398S, N407S.
Identifiers: ClinVar variation 2937439 (VCV002937439.3), dbSNP rs377403420, ClinGen allele CA30809928.
Genomic context (GRCh38, chr1:154,601,449, plus strand): 5'-TTTATGACAGGTTCCTGCCCATTCTCCACTTTTTCTGTGGTTACCATGTTATTTGAGGCA[T>C]TTGATGTGGGTATATTACAGGTGAGGAACTCTGCGTTTCTTTTGGTCTCAGGGATTGCAG-3'
Protein context (NP_001102.3, residues 388-408): EFLTCNIPTS[Asn398Ser]ASNNMVTTEK

ClinVar aggregate classification (germline): Uncertain significance (1 of 4 stars; one submission).

Conditions:
Symmetrical dyschromatosis of extremities (DSH). Also called: RETICULATE ACROPIGMENTATION OF DOHI; SYMMETRIC DYSCHROMATOSIS OF THE EXTREMITIES; Dyschromatosis symmetrica hereditaria; DYSCHROMATOSIS SYMMETRICA HEREDITARIA 1. Identifiers: Orphanet 41, MedGen C0406775, MONDO:0007483, OMIM 127400.
Aicardi-Goutieres syndrome 6 (AGS6). Identifiers: Orphanet 51, MedGen C3539013, MONDO:0014007, OMIM 615010.

Allele frequency attached by ClinVar (database versions not stated): TOPMed below 0.00001; gnomAD 0.00001; ESP Exome Variant Server 0.00008.
gnomAD v4.1: 2 of 1,614,064 alleles (0.00012%); highest among the groups gnomAD compares: African/African-American, 0.0027%; no homozygotes.

Submission:

Labcorp Genetics (formerly Invitae), Labcorp
Classification: Uncertain significance for Aicardi-Goutieres syndrome 6; Symmetrical dyschromatosis of extremities. Last evaluated: 2023-01-19. Review status: criteria provided, single submitter. Criteria: Invitae Variant Classification Sherloc (09022015). Collection method: clinical testing. Allele origin: germline.
Comment: This sequence change replaces asparagine, which is neutral and polar, with serine, which is neutral and polar, at codon 398 of the ADAR protein (p.Asn398Ser). This variant is not present in population databases (gnomAD no frequency). This variant has not been reported in the literature in individuals affected with ADAR-related conditions. Advanced modeling of protein sequence and biophysical properties (such as structural, functional, and spatial information, amino acid conservation, physicochemical variation, residue mobility, and thermodynamic stability) performed at Invitae indicates that this missense variant is not expected to disrupt ADAR protein function. In summary, the available evidence is currently insufficient to determine the role of this variant in disease. Therefore, it has been classified as a Variant of Uncertain Significance.